The following is an entry in ClinVar:

ClinVar aggregate classification (germline): Conflicting classifications of pathogenicity. Review status: criteria provided, conflicting classifications (1 of 4 stars). 2 submissions from 2 submitters: Uncertain significance (1); Likely benign (1). Last evaluated 2025-03-27.

Conditions:
Inborn genetic diseases. Identifiers: MedGen C0950123, MeSH D030342.

Allele frequency attached by ClinVar (database versions not stated): gnomAD 0.00001.
gnomAD v4.1: 21 of 1,610,116 alleles (0.0013%); highest among the groups gnomAD compares: Middle Eastern, 0.016%; no homozygotes.

Submissions (2):

Ambry Genetics
Classification: Likely benign for Inborn genetic diseases. Last evaluated: 2025-03-27. Review status: criteria provided, single submitter. Criteria: Ambry Variant Classification Scheme 2023. Collection method: clinical testing. Allele origin: germline.

Labcorp Genetics (formerly Invitae), Labcorp
Classification: Uncertain significance. Last evaluated: 2023-10-18. Review status: criteria provided, single submitter. Criteria: Invitae Variant Classification Sherloc (09022015). Collection method: clinical testing. Allele origin: germline.
Comment: This sequence change replaces arginine, which is basic and polar, with histidine, which is basic and polar, at codon 59 of the NBAS protein (p.Arg59His). This variant is present in population databases (rs112301580, gnomAD 0.01%). This variant has not been reported in the literature in individuals affected with NBAS-related conditions. ClinVar contains an entry for this variant (Variation ID: 1923545). Advanced modeling of protein sequence and biophysical properties (such as structural, functional, and spatial information, amino acid conservation, physicochemical variation, residue mobility, and thermodynamic stability) performed at Invitae indicates that this missense variant is not expected to disrupt NBAS protein function. In summary, the available evidence is currently insufficient to determine the role of this variant in disease. Therefore, it has been classified as a Variant of Uncertain Significance.

NM_015909.4(NBAS):c.176G>A (p.Arg59His)

Gene: NBAS (NBAS subunit of NRZ tethering complex; minus strand). Cytogenetic location: 2p24.3.
Variant type: single nucleotide variant.
Coding change: c.176G>A on transcript NM_015909.4 (MANE Select); coding-DNA position 176, G replaced by A.
Protein change: p.Arg59His; replaces arginine 59 with histidine.
Molecular consequence: missense variant. On other transcripts: non-coding transcript variant (1).
Genome position (GRCh38, 1-based): chr2:15,556,816, C>T on the plus strand (G>A on the coding strand, the complement: NBAS is on the minus strand). VCF-style: chr2-15556816-C-T. GRCh37 (hg19) VCF-style: chr2-15696940-C-T.
Other names: c.176G>A (NM_015909.2); short protein forms R59H.
Identifiers: ClinVar variation 1923545 (VCV001923545.5), dbSNP rs112301580, ClinGen allele CA42661498.